The following is an entry in ClinVar:

ClinVar aggregate classification (germline): Benign. Review status: criteria provided, multiple submitters, no conflicts (2 of 4 stars). 2 submissions from 2 submitters: Benign (2). Last evaluated 2018-06-14.

Allele frequency attached by ClinVar (database versions not stated): gnomAD 0.44483 and 0.45784; TOPMed 0.44652; gnomAD exomes 0.49574; 1000 Genomes Project 30x 0.53232; 1000 Genomes Project 0.54513.
gnomAD v4.1: 356,457 of 731,240 alleles (49%); highest among the groups gnomAD compares: East Asian, 82%; 92,036 homozygotes.

Submissions (2):

GeneDx
Classification: Benign. Last evaluated: 2018-06-14. Review status: criteria provided, single submitter. Criteria: GeneDx Variant Classification (06012015). Collection method: clinical testing. Allele origin: germline. Affected: yes.
Comment: This variant is considered likely benign or benign based on one or more of the following criteria: it is a conservative change, it occurs at a poorly conserved position in the protein, it is predicted to be benign by multiple in silico algorithms, and/or has population frequency not consistent with disease.

Breakthrough Genomics
Classification: Benign. Review status: criteria provided, single submitter. Criteria: ACMG Guidelines, 2015. Collection method: not provided. Allele origin: germline. Inheritance: Autosomal dominant inheritance. Affected: yes.

NM_001271.4(CHD2):c.552-152G>A

Gene: CHD2 (chromodomain helicase DNA binding protein 2; plus strand). Cytogenetic location: 15q26.1.
Variant type: single nucleotide variant.
Coding change: c.552-152G>A on transcript NM_001271.4 (MANE Select); 152 bases into the intron before coding-DNA position 552, G replaced by A.
Molecular consequence: intron variant.
Genome position (GRCh38, 1-based): chr15:92,939,426, G>A. VCF-style: chr15-92939426-G-A. GRCh37 (hg19) VCF-style: chr15-93482656-G-A.
Other names: c.552-152G>A (NM_001042572.3).
Identifiers: ClinVar variation 678924 (VCV000678924.2), dbSNP rs3743469, ClinGen allele CA15850255.
Genomic context (GRCh38, chr15:92,939,426, plus strand): 5'-TCAGCATTAGAATGACCTTCCTGTTGGAAATCCAGATTTCTAGTGAATTAGAATTTCAGG[G>A]AGTAGGGCCCAAGAATATGCATGTTTAACATTCCCCAAGTGAAATGTTACATTCTGATGT-3'